The following is an entry in ClinVar:

NM_000081.4(LYST):c.7793T>A (p.Phe2598Tyr)

Gene: LYST (lysosomal trafficking regulator; minus strand). Cytogenetic location: 1q42.3.
Variant type: single nucleotide variant.
Coding change: c.7793T>A on transcript NM_000081.4 (MANE Select); coding-DNA position 7793, T replaced by A.
Protein change: p.Phe2598Tyr; replaces phenylalanine 2598 with tyrosine.
Molecular consequence: missense variant.
Genome position (GRCh38, 1-based): chr1:235,746,515, A>T on the plus strand (T>A on the coding strand, the complement: LYST is on the minus strand). VCF-style: chr1-235746515-A-T. GRCh37 (hg19) VCF-style: chr1-235909815-A-T.
Other names: c.7793T>A (NM_000081.2); c.7793T>A, p.Phe2598Tyr (NM_001301365.1); short protein forms F2598Y.
Identifiers: ClinVar variation 235582 (VCV000235582.25), dbSNP rs34642241, ClinGen allele CA1466021.
Genomic context (GRCh38, chr1:235,746,515, plus strand): 5'-AGCTCATCATTTGCCACTGAACGCATTTTCATCAGAAGCGATTCAGTTTGAGCAAGGGGA[A>T]ATTTTCGAGGACCTTTAAAAGTATATAAATTAAAACATCAAATCCCAGTGTTAATAAGGA-3'
Protein context (NP_000072.2, residues 2588-2608): KRKSIAGPRK[Phe2598Tyr]PLAQTESLLM

ClinVar aggregate classification (germline): Benign. Review status: criteria provided, multiple submitters, no conflicts (2 of 4 stars). 8 submissions from 8 submitters: Benign (8). Last evaluated 2026-02-04.

Conditions:
Autoinflammatory syndrome. Identifiers: Orphanet 93665, MedGen C3890737, MONDO:0019751.
Chédiak-Higashi syndrome (CHS). Also called: Chediak-Higashi Syndrome. Identifiers: Orphanet 167, MedGen C0007965, MONDO:0008963, OMIM 214500.

Allele frequency attached by ClinVar (database versions not stated): ExAC 0.00813; gnomAD 0.02209 and 0.02388; ESP Exome Variant Server 0.02491; 1000 Genomes Project 0.02556; TOPMed 0.02577; 1000 Genomes Project 30x 0.02717; gnomAD exomes 0.00214 and 0.00599.
gnomAD v4.1: 6,664 of 1,612,650 alleles (0.41%); highest among the groups gnomAD compares: African/African-American, 7.4%; 225 homozygotes.

Submissions (8):

Labcorp Genetics (formerly Invitae), Labcorp
Classification: Benign for Chédiak-Higashi syndrome. Last evaluated: 2026-02-04. Review status: criteria provided, single submitter. Criteria: Invitae Variant Classification Sherloc (09022015). Collection method: clinical testing. Allele origin: germline.

Mayo Clinic Laboratories, Mayo Clinic
Classification: Benign. Last evaluated: 2023-09-24. Review status: criteria provided, single submitter. Criteria: ACMG Guidelines, 2015. Collection method: clinical testing. Allele origin: germline. Observed: 51 variant alleles.

Genome Diagnostics Laboratory, The Hospital for Sick Children
Classification: Benign for Autoinflammatory syndrome. Last evaluated: 2022-02-25. Review status: criteria provided, single submitter. Criteria: ACMG Guidelines, 2015. Collection method: clinical testing. Allele origin: germline. Affected: yes.

GeneDx
Classification: Benign. Last evaluated: 2019-07-14. Review status: criteria provided, single submitter. Criteria: GeneDx Variant Classification Process June 2021. Collection method: clinical testing. Allele origin: germline. Affected: yes.

Illumina Laboratory Services, Illumina
Classification: Benign for Chédiak-Higashi syndrome. Last evaluated: 2018-01-13. Review status: criteria provided, single submitter. Criteria: ICSL Variant Classification Criteria 13 December 2019. Collection method: clinical testing. Allele origin: germline.
Comment: This variant was observed in the ICSL laboratory as part of a predisposition screen in an ostensibly healthy population. It had not been previously curated by ICSL or reported in the Human Gene Mutation Database (HGMD: prior to June 1st, 2018), and was therefore a candidate for classification through an automated scoring system. Utilizing variant allele frequency, disease prevalence and penetrance estimates, and inheritance mode, an automated score was calculated to assess if this variant is too frequent to cause the disease. Based on the score and internal cut-off values, a variant classified as benign is not then subjected to further curation. The score for this variant resulted in a classification of benign for this disease.

Center for Pediatric Genomic Medicine, Children's Mercy Hospital and Clinics
Classification: Benign. Last evaluated: 2015-08-24. Review status: criteria provided, single submitter. Criteria: ACMG Guidelines, 2015. Collection method: clinical testing. Allele origin: germline.

Breakthrough Genomics
Classification: Benign. Review status: criteria provided, single submitter. Criteria: ACMG Guidelines, 2015. Collection method: not provided. Allele origin: germline. Inheritance: Autosomal recessive inheritance. Affected: yes.

PreventionGenetics, part of Exact Sciences
Classification: Benign. Review status: criteria provided, single submitter. Criteria: ACMG Guidelines, 2015. Collection method: clinical testing. Allele origin: germline.